The following is an entry in ClinVar:

ClinVar aggregate classification (germline): Uncertain significance. Review status: criteria provided, multiple submitters, no conflicts (2 of 4 stars). 3 submissions from 3 submitters: Uncertain significance (3). Last evaluated 2026-01-17.

Conditions:
Cardiovascular phenotype. Identifiers: MedGen CN230736.

Allele frequency attached by ClinVar (database versions not stated): gnomAD exomes 0.00002; gnomAD 0.00008 and 0.00010; TOPMed 0.00009.
gnomAD v4.1: 30 of 1,209,031 alleles (0.0025%); highest among the groups gnomAD compares: African/African-American, 0.023%; no homozygotes.

Submissions (3):

Labcorp Genetics (formerly Invitae), Labcorp
Classification: Uncertain significance. Last evaluated: 2026-01-17. Review status: criteria provided, single submitter. Criteria: Invitae Variant Classification Sherloc (09022015). Collection method: clinical testing. Allele origin: germline.
Comment: This sequence change replaces valine, which is neutral and non-polar, with isoleucine, which is neutral and non-polar, at codon 120 of the BGN protein (p.Val120Ile). This variant is present in population databases (rs782662136, gnomAD 0.03%). This variant has not been reported in the literature in individuals affected with BGN-related conditions. ClinVar contains an entry for this variant (Variation ID: 1058752). Invitae Evidence Modeling of protein sequence and biophysical properties (such as structural, functional, and spatial information, amino acid conservation, physicochemical variation, residue mobility, and thermodynamic stability) indicates that this missense variant is not expected to disrupt BGN protein function with a negative predictive value of 80%. In summary, the available evidence is currently insufficient to determine the role of this variant in disease. Therefore, it has been classified as a Variant of Uncertain Significance.

Ambry Genetics
Classification: Uncertain significance for Cardiovascular phenotype. Last evaluated: 2024-09-25. Review status: criteria provided, single submitter. Criteria: Ambry Variant Classification Scheme 2023. Collection method: clinical testing. Allele origin: germline.

Revvity Omics, Revvity
Classification: Uncertain significance. Last evaluated: 2023-06-01. Review status: criteria provided, single submitter. Criteria: ACMG Guidelines, 2015. Collection method: clinical testing. Allele origin: germline.

NM_001711.6(BGN):c.358G>A (p.Val120Ile)

Gene: BGN (biglycan; plus strand). Cytogenetic location: Xq28.
Variant type: single nucleotide variant.
Coding change: c.358G>A on transcript NM_001711.6 (MANE Select); coding-DNA position 358, G replaced by A.
Protein change: p.Val120Ile; replaces valine 120 with isoleucine.
Molecular consequence: missense variant.
Genome position (GRCh38, 1-based): chrX:153,505,869, G>A. VCF-style: chrX-153505869-G-A. GRCh37 (hg19) VCF-style: chrX-152771327-G-A.
Other names: c.358G>A (NM_001711.4); short protein forms V120I.
Identifiers: ClinVar variation 1058752 (VCV001058752.12), dbSNP rs782662136, ClinGen allele CA10547228.